The following is an entry in ClinVar:

NM_001271.4(CHD2):c.3011C>T (p.Thr1004Met)

Genes: CHD2 (chromodomain helicase DNA binding protein 2; plus strand), LOC126862230 (P300/CBP strongly-dependent group 1 enhancer GRCh37_chr15:93523977-93525176; plus strand). Cytogenetic location: 15q26.1.
Variant type: single nucleotide variant.
Coding change: c.3011C>T on transcript NM_001271.4 (MANE Select); coding-DNA position 3011, C replaced by T.
Protein change: p.Thr1004Met; replaces threonine 1004 with methionine.
Molecular consequence: missense variant.
Genome position (GRCh38, 1-based): chr15:92,981,402, C>T. VCF-style: chr15-92981402-C-T. GRCh37 (hg19) VCF-style: chr15-93524632-C-T.
Other names: short protein forms T1004M.
Identifiers: ClinVar variation 3392852 (VCV003392852.1).
Genomic context (GRCh38, chr15:92,981,402, plus strand): 5'-CGTGTTGGCTTTTGTTCTTTTAGGAAATGGATATAGATGAAATTTTGCGGTTGGCTGAAA[C>T]GAGAGAGAATGAAGTGTCAACAAGTGCAACAGATGAACTTCTATCACAGTTTAAGGTATG-3'
Protein context (NP_001262.3, residues 994-1014): DIDEILRLAE[Thr1004Met]RENEVSTSAT

ClinVar aggregate classification (germline): Uncertain significance (1 of 4 stars; one submission).

gnomAD v4.1: 3 of 1,613,622 alleles (0.00019%); highest among the groups gnomAD compares: Non-Finnish European, 0.00025%; no homozygotes.

Submission:

GeneDx
Classification: Uncertain significance. Last evaluated: 2024-06-25. Review status: criteria provided, single submitter. Criteria: GeneDx Variant Classification Process June 2021. Collection method: clinical testing. Allele origin: germline. Affected: yes.
Comment: Not observed at significant frequency in large population cohorts (gnomAD); In silico analysis supports that this missense variant has a deleterious effect on protein structure/function; Has not been previously published as pathogenic or benign to our knowledge